The following is an entry in ClinVar:

NM_021098.3(CACNA1H):c.5270T>C (p.Met1757Thr)

Gene: CACNA1H (calcium voltage-gated channel subunit alpha1 H; plus strand). Cytogenetic location: 16p13.3.
Variant type: single nucleotide variant.
Coding change: c.5270T>C on transcript NM_021098.3 (MANE Select); coding-DNA position 5270, T replaced by C.
Protein change: p.Met1757Thr; replaces methionine 1757 with threonine.
Molecular consequence: missense variant.
Genome position (GRCh38, 1-based): chr16:1,216,957, T>C. VCF-style: chr16-1216957-T-C. GRCh37 (hg19) VCF-style: chr16-1266957-T-C.
Other names: c.5252T>C, p.Met1751Thr (NM_001005407.2); short protein forms M1751T, M1757T.
Identifiers: ClinVar variation 2412992 (VCV002412992.6), dbSNP rs1377753429, ClinGen allele CA394146785.

ClinVar aggregate classification (germline): Uncertain significance. Review status: criteria provided, multiple submitters, no conflicts (2 of 4 stars). 2 submissions from 2 submitters: Uncertain significance (2). Last evaluated 2023-11-18.

Conditions:
Idiopathic generalized epilepsy. Also called: Generalised epilepsy; EIG. Identifiers: MedGen C0270850, MONDO:0005579, OMIM 600669.
Hyperaldosteronism, familial, type IV (HALD4). Also called: FH IV; ALDOSTERONISM, PRIMARY, AND HYPERTENSION. Identifiers: Orphanet 642671, MedGen C4310756, MONDO:0014875, OMIM 617027.

Allele frequency attached by ClinVar (database versions not stated): gnomAD 0.00001; gnomAD exomes 0.00001; TOPMed 0.00001.

Submissions (2):

Labcorp Genetics (formerly Invitae), Labcorp
Classification: Uncertain significance for Idiopathic generalized epilepsy; Hyperaldosteronism, familial, type IV. Last evaluated: 2023-11-18. Review status: criteria provided, single submitter. Criteria: Invitae Variant Classification Sherloc (09022015). Collection method: clinical testing. Allele origin: germline.
Comment: This sequence change replaces methionine, which is neutral and non-polar, with threonine, which is neutral and polar, at codon 1757 of the CACNA1H protein (p.Met1757Thr). This variant is not present in population databases (gnomAD no frequency). This variant has not been reported in the literature in individuals affected with CACNA1H-related conditions. ClinVar contains an entry for this variant (Variation ID: 2412992). Advanced modeling of protein sequence and biophysical properties (such as structural, functional, and spatial information, amino acid conservation, physicochemical variation, residue mobility, and thermodynamic stability) has been performed at Invitae for this missense variant, however the output from this modeling did not meet the statistical confidence thresholds required to predict the impact of this variant on CACNA1H protein function. In summary, the available evidence is currently insufficient to determine the role of this variant in disease. Therefore, it has been classified as a Variant of Uncertain Significance.

GeneDx
Classification: Uncertain significance. Last evaluated: 2022-07-26. Review status: criteria provided, single submitter. Criteria: GeneDx Variant Classification Process June 2021. Collection method: clinical testing. Allele origin: germline. Affected: yes.
Comment: Not observed at significant frequency in large population cohorts (gnomAD); In silico analysis supports that this missense variant has a deleterious effect on protein structure/function; Has not been previously published as pathogenic or benign to our knowledge